The following is an entry in ClinVar:

NM_005219.5(DIAPH1):c.994G>A (p.Val332Ile)

Gene: DIAPH1 (diaphanous related formin 1; minus strand). Cytogenetic location: 5q31.3.
Variant type: single nucleotide variant.
Coding change: c.994G>A on transcript NM_005219.5 (MANE Select); coding-DNA position 994, G replaced by A.
Protein change: p.Val332Ile; replaces valine 332 with isoleucine.
Molecular consequence: missense variant.
Genome position (GRCh38, 1-based): chr5:141,578,565, C>T on the plus strand (G>A on the coding strand, the complement: DIAPH1 is on the minus strand). VCF-style: chr5-141578565-C-T. GRCh37 (hg19) VCF-style: chr5-140958132-C-T.
Other names: c.967G>A, p.Val323Ile (NM_001079812.3); c.994G>A, p.Val332Ile (NM_001314007.2); short protein forms V332I, V323I.
Identifiers: ClinVar variation 1358824 (VCV001358824.8), dbSNP rs1339571940, ClinGen allele CA361532490.

ClinVar aggregate classification (germline): Uncertain significance (1 of 4 stars; one submission).

Conditions:
Autosomal dominant nonsyndromic hearing loss 1. Also called: DEAFNESS, AUTOSOMAL DOMINANT 1, WITH OR WITHOUT THROMBOCYTOPENIA; KONIGSMARK SYNDROME. Identifiers: Orphanet 90635, MedGen C1852282, MONDO:0007424, OMIM 124900.
Progressive microcephaly-seizures-cortical blindness-developmental delay syndrome. Also called: Seizures, cortical blindness, and microcephaly syndrome. Identifiers: Orphanet 477814, MedGen C5567650, MONDO:0014714, OMIM 616632.

Allele frequency attached by ClinVar (database versions not stated): gnomAD exomes below 0.00001.
gnomAD v4.1: 1 of 1,613,958 alleles (0.000062%); no homozygotes.

Submission:

Labcorp Genetics (formerly Invitae), Labcorp
Classification: Uncertain significance for Progressive microcephaly-seizures-cortical blindness-developmental delay syndrome; Autosomal dominant nonsyndromic hearing loss 1. Last evaluated: 2021-06-04. Review status: criteria provided, single submitter. Criteria: Invitae Variant Classification Sherloc (09022015). Collection method: clinical testing. Allele origin: germline.
Comment: This sequence change replaces valine with isoleucine at codon 332 of the DIAPH1 protein (p.Val332Ile). The valine residue is moderately conserved and there is a small physicochemical difference between valine and isoleucine. This variant is not present in population databases (ExAC no frequency). This variant has not been reported in the literature in individuals with DIAPH1-related conditions. Algorithms developed to predict the effect of missense changes on protein structure and function output the following: SIFT: "Tolerated"; PolyPhen-2: "Not Available"; Align-GVGD: "Class C0". The isoleucine amino acid residue is found in multiple mammalian species, suggesting that this missense change does not adversely affect protein function. These predictions have not been confirmed by published functional studies and their clinical significance is uncertain. In summary, the available evidence is currently insufficient to determine the role of this variant in disease. Therefore, it has been classified as a Variant of Uncertain Significance.